The following is an entry in ClinVar:

ClinVar aggregate classification (germline): Conflicting classifications of pathogenicity. Review status: criteria provided, conflicting classifications (1 of 4 stars). 6 submissions from 6 submitters: Uncertain significance (3); Benign (1); Likely benign (1). 1 of the submissions does not count toward it. Last evaluated 2024-09-14.

Conditions:
Alstrom syndrome (ALMS). Identifiers: Orphanet 64, MedGen C0268425, MONDO:0008763, OMIM 203800.
Cardiovascular phenotype. Identifiers: MedGen CN230736.

Allele frequency attached by ClinVar (database versions not stated): gnomAD exomes 0.00004 and 0.00015; gnomAD 0.00005 and 0.00007; TOPMed 0.00011; ExAC 0.00013; 1000 Genomes Project 30x 0.00016; 1000 Genomes Project 0.00020.
gnomAD v4.1: 74 of 1,614,092 alleles (0.0046%); highest among the groups gnomAD compares: East Asian, 0.13%; no homozygotes.

Submissions (6):

Blueprint Genetics
Classification: Likely benign. Last evaluated: 2024-09-14. Review status: criteria provided, single submitter. Criteria: ACMG Guidelines, 2015. Collection method: clinical testing. Allele origin: germline.

Ambry Genetics
Classification: Benign for Cardiovascular phenotype. Last evaluated: 2024-05-30. Review status: criteria provided, single submitter. Criteria: Ambry Variant Classification Scheme 2023. Collection method: clinical testing. Allele origin: germline.

GeneDx
Classification: Uncertain significance. Last evaluated: 2024-05-03. Review status: criteria provided, single submitter. Criteria: GeneDx Variant Classification Process June 2021. Collection method: clinical testing. Allele origin: germline. Affected: yes.
Comment: In silico analysis indicates that this missense variant does not alter protein structure/function; Has not been previously published as pathogenic or benign to our knowledge

Labcorp Genetics (formerly Invitae), Labcorp
Classification: Uncertain significance for Alstrom syndrome. Last evaluated: 2022-08-13. Review status: criteria provided, single submitter. Criteria: Invitae Variant Classification Sherloc (09022015). Collection method: clinical testing. Allele origin: germline.
Comment: This sequence change replaces alanine, which is neutral and non-polar, with threonine, which is neutral and polar, at codon 3246 of the ALMS1 protein (p.Ala3246Thr). This variant is present in population databases (rs200432874, gnomAD 0.2%). This variant has not been reported in the literature in individuals affected with ALMS1-related conditions. ClinVar contains an entry for this variant (Variation ID: 918121). In summary, the available evidence is currently insufficient to determine the role of this variant in disease. Therefore, it has been classified as a Variant of Uncertain Significance.

Women's Health and Genetics/Laboratory Corporation of America, LabCorp
Classification: Uncertain significance. Last evaluated: 2020-03-02. Review status: criteria provided, single submitter. Criteria: LabCorp Variant Classification Summary - May 2015. Collection method: clinical testing. Allele origin: germline.
Comment: Variant summary: ALMS1 c.9730G>A (p.Ala3244Thr) results in a non-conservative amino acid change in the encoded protein sequence. Three of five in-silico tools predict a damaging effect of the variant on protein function. The variant allele was found at a frequency of 0.00015 in 249478 control chromosomes, predominantly at a frequency of 0.0018 within the East Asian subpopulation in the gnomAD database. This frequency is not significantly higher than expected for a pathogenic variant in ALMS1 causing Cardiomyopathy (0.00015 vs 0.0022), allowing no conclusion about variant significance. c.9730G>A has been reported in the literature in individuals of East Asian ethnicity affected with retinitis pigmentosa without strong evidence for causality (e.g. Katagiri_2014, Xu_2015,2016). These reports do not provide unequivocal conclusions about association of the variant with Cardiomyopathy. To our knowledge, no experimental evidence demonstrating an impact on protein function has been reported. No clinical diagnostic laboratories have submitted clinical-significance assessments for this variant to ClinVar after 2014. Based on the evidence outlined above, the variant was classified as uncertain significance.

Natera, Inc.
Classification: Uncertain significance for Alstrom syndrome. Last evaluated: 2021-07-22. Review status: no assertion criteria provided. Collection method: clinical testing. Allele origin: germline. Not counted in ClinVar's aggregate classification.

Literature cited by the submitters: PubMed 25999675 (cited by Women's Health and Genetics/Laboratory Corporation of America, LabCorp); PubMed 26010121 (cited by Women's Health and Genetics/Laboratory Corporation of America, LabCorp); PubMed 25268133 (cited by Women's Health and Genetics/Laboratory Corporation of America, LabCorp).

NM_001378454.1(ALMS1):c.9733G>A (p.Ala3245Thr)

Gene: ALMS1 (ALMS1 centrosome and basal body associated protein; plus strand). Cytogenetic location: 2p13.1.
Variant type: single nucleotide variant.
Coding change: c.9733G>A on transcript NM_001378454.1 (MANE Select); coding-DNA position 9733, G replaced by A.
Protein change: p.Ala3245Thr; replaces alanine 3245 with threonine.
Molecular consequence: missense variant.
Genome position (GRCh38, 1-based): chr2:73,519,968, G>A. VCF-style: chr2-73519968-G-A. GRCh37 (hg19) VCF-style: chr2-73747095-G-A.
Other names: c.9736G>A, p.Ala3246Thr (NM_015120.4); short protein forms A3245T, A3246T.
Identifiers: ClinVar variation 918121 (VCV000918121.7), dbSNP rs200432874, ClinGen allele CA1714749.